The following is an entry in ClinVar:

ClinVar aggregate classification (germline): Likely pathogenic (1 of 4 stars; one submission).

Conditions:
Orofaciodigital syndrome 18. Also called: Orofaciodigital syndrome XVIII; Oral-facial-digital syndrome with short stature and brachymesophalangy; OFDS XVIII; ORAL-FACIAL-DIGITAL SYNDROME, TYPE XVIII. Identifiers: Orphanet 508501, MedGen C5567903, MONDO:0054770, OMIM 617927.

Submission:

First Genomix Gene Laboratory, Genetic Diagnostics Department
Classification: Likely pathogenic for Orofaciodigital syndrome 18. Last evaluated: 2025-08-22. Review status: criteria provided, single submitter. Criteria: ACMG Guidelines, 2015. Collection method: clinical testing. Allele origin: germline. Inheritance: Autosomal recessive inheritance. Affected: no. Observed: 1 variant allele.

NM_018010.4(IFT57):c.880dup (p.Thr294fs)

Gene: IFT57 (intraflagellar transport 57; minus strand). Cytogenetic location: 3q13.12.
Variant type: Duplication.
Coding change: c.880dup on transcript NM_018010.4 (MANE Select); coding-DNA position 880, one base duplicated (A; older notation c.880dupA).
Protein change: p.Thr294fs; shifts the reading frame from threonine 294.
Molecular consequence: frameshift variant.
Genome position (GRCh38, 1-based): chr3:108,166,955, T duplicated on the plus strand (A on the coding strand, the reverse complement: IFT57 is on the minus strand). VCF-style (leftmost placement, unchanged base first): chr3-108166954-G-GT. GRCh37 (hg19) VCF-style: chr3-107885801-G-GT.
Other names: c.880dupA (NM_018010.4); short protein forms T294fs.
Identifiers: ClinVar variation 4850471 (VCV004850471.1).